The following is an entry in ClinVar:

NM_001005242.3(PKP2):c.2030C>G (p.Ala677Gly)

Gene: PKP2 (plakophilin 2; minus strand). Cytogenetic location: 12p11.21.
Variant type: single nucleotide variant.
Coding change: c.2030C>G on transcript NM_001005242.3 (MANE Select); coding-DNA position 2030, C replaced by G.
Protein change: p.Ala677Gly; replaces alanine 677 with glycine.
Molecular consequence: missense variant.
Genome position (GRCh38, 1-based): chr12:32,802,540, G>C on the plus strand (C>G on the coding strand, the complement: PKP2 is on the minus strand). VCF-style: chr12-32802540-G-C. GRCh37 (hg19) VCF-style: chr12-32955474-G-C.
Other names: c.2162C>G, p.Ala721Gly (NM_004572.4); short protein forms A721G, A677G.
Identifiers: ClinVar variation 923143 (VCV000923143.5), dbSNP rs1359431679, ClinGen allele CA384360056.

ClinVar aggregate classification (germline): Uncertain significance (1 of 4 stars; one submission).

Conditions:
Cardiomyopathy (CMYO). Also called: Cardiomyopathies. Identifiers: Orphanet 167848, MedGen C0878544, MONDO:0004994, HP:0001638. Inheritance: Various modes of inheritance.

gnomAD v4.1: 1 of 1,614,070 alleles (0.000062%); highest among the groups gnomAD compares: South Asian, 0.0011%; no homozygotes.

Submission:

Color Diagnostics, LLC DBA Color Health
Classification: Uncertain significance for Cardiomyopathy. Last evaluated: 2024-03-07. Review status: criteria provided, single submitter. Criteria: ACMG Guidelines, 2015. Collection method: clinical testing. Allele origin: germline.
Comment: This missense variant replaces alanine with glycine at codon 721 of the PKP2 protein. Computational prediction suggests that this variant may not impact protein structure and function (internally defined REVEL score threshold <= 0.5, PMID: 27666373). To our knowledge, functional studies have not been reported for this variant. This variant has not been reported in individuals affected with cardiovascular disorders in the literature. This variant has not been identified in the general population by the Genome Aggregation Database (gnomAD). The available evidence is insufficient to determine the role of this variant in disease conclusively. Therefore, this variant is classified as a Variant of Uncertain Significance.